The following is an entry in ClinVar:

ClinVar aggregate classification (germline): Uncertain significance. Review status: criteria provided, multiple submitters, no conflicts (2 of 4 stars). 4 submissions from 4 submitters: Uncertain significance (4). Last evaluated 2026-05-23.

Conditions:
Inborn genetic diseases. Identifiers: MedGen C0950123, MeSH D030342.
Microcephaly 5, primary, autosomal recessive (MCPH5). Also called: ASPM Primary Microcephaly. Identifiers: Orphanet 2512, MedGen C1837501, MONDO:0012106, OMIM 608716.

Allele frequency attached by ClinVar (database versions not stated): gnomAD exomes 0.00001; ExAC 0.00004; TOPMed 0.00009; gnomAD 0.00012; 1000 Genomes Project 0.00020; ESP Exome Variant Server 0.00023; 1000 Genomes Project 30x 0.00031.
gnomAD v4.1: 31 of 1,612,824 alleles (0.0019%); highest among the groups gnomAD compares: African/African-American, 0.036%; no homozygotes.

Submissions (4):

Ambry Genetics
Classification: Uncertain significance for Inborn genetic diseases. Last evaluated: 2026-05-23. Review status: criteria provided, single submitter. Criteria: Ambry Variant Classification Scheme 2023. Collection method: clinical testing. Allele origin: germline.

Labcorp Genetics (formerly Invitae), Labcorp
Classification: Uncertain significance. Last evaluated: 2025-12-11. Review status: criteria provided, single submitter. Criteria: Invitae Variant Classification Sherloc (09022015). Collection method: clinical testing. Allele origin: germline.
Comment: This sequence change replaces lysine, which is basic and polar, with arginine, which is basic and polar, at codon 2002 of the ASPM protein (p.Lys2002Arg). This variant is present in population databases (rs371325877, gnomAD 0.04%). This variant has not been reported in the literature in individuals affected with ASPM-related conditions. ClinVar contains an entry for this variant (Variation ID: 2227565). Invitae Evidence Modeling of protein sequence and biophysical properties (such as structural, functional, and spatial information, amino acid conservation, physicochemical variation, residue mobility, and thermodynamic stability) indicates that this missense variant is not expected to disrupt ASPM protein function with a negative predictive value of 80%. In summary, the available evidence is currently insufficient to determine the role of this variant in disease. Therefore, it has been classified as a Variant of Uncertain Significance.

CeGaT Center for Human Genetics Tuebingen
Classification: Uncertain significance. Last evaluated: 2023-05-01. Review status: criteria provided, single submitter. Criteria: CeGaT Center For Human Genetics Tuebingen Variant Classification Criteria Version 2. Collection method: clinical testing. Allele origin: germline. Affected: yes. Observed: 1 variant allele.
Comment: ASPM: PM2, BP4

Genome-Nilou Lab
Classification: Uncertain significance for Microcephaly 5, primary, autosomal recessive. Last evaluated: 2023-04-11. Review status: criteria provided, single submitter. Criteria: ACMG Guidelines, 2015. Collection method: clinical testing. Allele origin: germline. Affected: no.

NM_018136.5(ASPM):c.6005A>G (p.Lys2002Arg)

Gene: ASPM (assembly factor for spindle microtubules; minus strand). Cytogenetic location: 1q31.3.
Variant type: single nucleotide variant.
Coding change: c.6005A>G on transcript NM_018136.5 (MANE Select); coding-DNA position 6005, A replaced by G.
Protein change: p.Lys2002Arg; replaces lysine 2002 with arginine.
Molecular consequence: missense variant. On other transcripts: intron variant (1).
Genome position (GRCh38, 1-based): chr1:197,103,246, T>C on the plus strand (A>G on the coding strand, the complement: ASPM is on the minus strand). VCF-style: chr1-197103246-T-C. GRCh37 (hg19) VCF-style: chr1-197072376-T-C.
Other names: c.4066-7082A>G (NM_001206846.2); short protein forms K2002R.
Identifiers: ClinVar variation 2227565 (VCV002227565.29), dbSNP rs371325877, ClinGen allele CA1309646.